The following is an entry in ClinVar:

ClinVar aggregate classification (germline): Pathogenic. Review status: reviewed by expert panel (3 of 4 stars). 4 submissions from 4 submitters: Pathogenic (1). 3 of the submissions do not count toward it. Last evaluated 2016-10-18.

Conditions:
Hereditary breast ovarian cancer syndrome. Also called: Hereditary breast and ovarian cancer; Hereditary breast and ovarian cancer syndrome (HBOC); Hereditary breast and/or ovarian cancer syndrome; Breast and ovarian cancer; Hereditary breast and ovarian cancer syndrome; BRCA1- and BRCA2-Associated Hereditary Breast and Ovarian Cancer. Identifiers: Orphanet 145, MedGen C0677776, MeSH D061325, MONDO:0003582. Disease mechanism: loss of function.
Breast-ovarian cancer, familial, susceptibility to, 2 (BROVCA2). Also called: BRCA2 Hereditary Breast and Ovarian Cancer. Identifiers: Orphanet 145, MedGen C2675520, MONDO:0012933, OMIM 612555. Disease mechanism: loss of function.

Submissions (4):

Evidence-based Network for the Interpretation of Germline Mutant Alleles (ENIGMA)
Classification: Pathogenic for Breast-ovarian cancer, familial, susceptibility to, 2. Last evaluated: 2016-10-18. Review status: reviewed by expert panel. Criteria: ENIGMA BRCA1/2 Classification Criteria (2015). Collection method: curation. Allele origin: germline.
Comment: Variant allele predicted to encode a truncated non-functional protein.

Labcorp Genetics (formerly Invitae), Labcorp
Classification: Pathogenic for Hereditary breast ovarian cancer syndrome. Last evaluated: 2025-07-06. Review status: criteria provided, single submitter. Criteria: Invitae Variant Classification Sherloc (09022015). Collection method: clinical testing. Allele origin: germline. Not counted in ClinVar's aggregate classification.
Comment: This sequence change creates a premature translational stop signal (p.Thr630Lysfs*15) in the BRCA2 gene. It is expected to result in an absent or disrupted protein product. Loss-of-function variants in BRCA2 are known to be pathogenic (PMID: 20104584). This variant is not present in population databases (gnomAD no frequency). This premature translational stop signal has been observed in individual(s) with high risk of breast and/or ovarian cancer (PMID: 29446198). ClinVar contains an entry for this variant (Variation ID: 266665). For these reasons, this variant has been classified as Pathogenic.

Molecular Pathology, Peter Maccallum Cancer Centre
Classification: Pathogenic for Breast-ovarian cancer, familial, susceptibility to, 2. Last evaluated: 2024-10-29. Review status: criteria provided, single submitter. Criteria: ACMG Guidelines, 2015. Collection method: clinical testing. Allele origin: germline. Inheritance: Autosomal dominant inheritance. Not counted in ClinVar's aggregate classification.

Consortium of Investigators of Modifiers of BRCA1/2 (CIMBA), c/o University of Cambridge
Classification: Pathogenic for Breast-ovarian cancer, familial, susceptibility to, 2. Last evaluated: 2015-10-02. Review status: criteria provided, single submitter. Criteria: CIMBA Mutation Classification guidelines May 2016. Collection method: clinical testing. Allele origin: germline. Not counted in ClinVar's aggregate classification.

Literature cited by the submitters: PubMed 20104584 (cited by Labcorp Genetics (formerly Invitae), Labcorp); PubMed 29446198 (cited by Labcorp Genetics (formerly Invitae), Labcorp).

NM_000059.4(BRCA2):c.1888_1889insAA (p.Thr630fs)

Gene: BRCA2 (BRCA2 DNA repair associated; plus strand). Cytogenetic location: 13q13.1.
Variant type: Insertion.
Coding change: c.1888_1889insAA on transcript NM_000059.4 (MANE Select); coding-DNA positions 1888 to 1889, AA inserted.
Protein change: p.Thr630fs; shifts the reading frame from threonine 630.
Molecular consequence: frameshift variant.
Genome position: GRCh38 VCF-style: chr13-32333365-T-TAA. GRCh37 (hg19) VCF-style: chr13-32907502-T-TAA.
Other names: 2116insAA; short protein forms T630fs.
Identifiers: ClinVar variation 266665 (VCV000266665.15), dbSNP rs80359314, ClinGen allele CA10589124.
Genomic context (GRCh38, chr13:32,333,365, plus strand): 5'-AAAATCAGAACTAATTAACTGTTCAGCCCAGTTTGAAGCAAATGCTTTTGAAGCACCACT[T>TAA]ACATTTGCAAATGCTGATTCAGGTACCTCTGTCTTTTTTTTTTTGTAAATAGTACATATA-3'